The following is an entry in ClinVar:

NM_178140.4(PDZD2):c.2153C>A (p.Thr718Asn)

Gene: PDZD2 (PDZ domain containing 2; plus strand). Cytogenetic location: 5p13.3.
Variant type: single nucleotide variant.
Coding change: c.2153C>A on transcript NM_178140.4 (MANE Select); coding-DNA position 2153, C replaced by A.
Protein change: p.Thr718Asn; replaces threonine 718 with asparagine.
Molecular consequence: missense variant.
Genome position (GRCh38, 1-based): chr5:32,058,056, C>A. VCF-style: chr5-32058056-C-A. GRCh37 (hg19) VCF-style: chr5-32058162-C-A.
Other names: short protein forms T718N.
Identifiers: ClinVar variation 3042385 (VCV003042385.2), dbSNP rs144128749, ClinGen allele CA3219090.

ClinVar aggregate classification (germline): Benign (0 of 4 stars; one submission).

Conditions:
PDZD2-related disorder. Also called: PDZD2-related condition.

Allele frequency attached by ClinVar (database versions not stated): 1000 Genomes Project 0.00240; 1000 Genomes Project 30x 0.00250; ESP Exome Variant Server 0.00331.
gnomAD v4.1: 6,959 of 1,610,360 alleles (0.43%); highest among the groups gnomAD compares: Middle Eastern, 1.2%; 26 homozygotes.

Submission:

PreventionGenetics, part of Exact Sciences
Classification: Benign for PDZD2-related condition. Last evaluated: 2019-02-26. Review status: no assertion criteria provided. Collection method: clinical testing. Allele origin: germline.
Comment: This variant is classified as benign based on ACMG/AMP sequence variant interpretation guidelines (Richards et al. 2015 PMID: 25741868, with internal and published modifications).